The following is an entry in ClinVar:

NM_000081.4(LYST):c.8869C>T (p.Arg2957Ter)

Gene: LYST (lysosomal trafficking regulator; minus strand). Cytogenetic location: 1q42.3.
Variant type: single nucleotide variant.
Coding change: c.8869C>T on transcript NM_000081.4 (MANE Select); coding-DNA position 8869, C replaced by T.
Protein change: p.Arg2957Ter; replaces arginine 2957 with a stop codon.
Molecular consequence: nonsense.
Genome position (GRCh38, 1-based): chr1:235,731,110, G>A on the plus strand (C>T on the coding strand, the complement: LYST is on the minus strand). VCF-style: chr1-235731110-G-A. GRCh37 (hg19) VCF-style: chr1-235894410-G-A.
Other names: c.8869C>T, p.Arg2957Ter (NM_001301365.1); short protein forms R2957*.
Identifiers: ClinVar variation 1683579 (VCV001683579.8), dbSNP rs1227624153, ClinGen allele CA344950104.

ClinVar aggregate classification (germline): Pathogenic/Likely pathogenic. Review status: criteria provided, multiple submitters, no conflicts (2 of 4 stars). 3 submissions from 3 submitters: Pathogenic (1); Likely pathogenic (2). Last evaluated 2024-09-22.

Conditions:
Chédiak-Higashi syndrome (CHS). Also called: Chediak-Higashi Syndrome. Identifiers: Orphanet 167, MedGen C0007965, MONDO:0008963, OMIM 214500.

gnomAD v4.1: 2 of 1,613,542 alleles (0.00012%); highest among the groups gnomAD compares: Non-Finnish European, 0.00017%; no homozygotes.

Submissions (3):

Genomic Medicine Center of Excellence, King Faisal Specialist Hospital and Research Centre
Classification: Likely pathogenic for Chédiak-Higashi syndrome. Last evaluated: 2024-09-22. Review status: criteria provided, single submitter. Criteria: ACMG Guidelines, 2015. Collection method: clinical testing. Allele origin: germline.

Labcorp Genetics (formerly Invitae), Labcorp
Classification: Pathogenic for Chédiak-Higashi syndrome. Last evaluated: 2023-05-08. Review status: criteria provided, single submitter. Criteria: Invitae Variant Classification Sherloc (09022015). Collection method: clinical testing. Allele origin: germline.
Comment: This sequence change creates a premature translational stop signal (p.Arg2957*) in the LYST gene. It is expected to result in an absent or disrupted protein product. Loss-of-function variants in LYST are known to be pathogenic (PMID: 9215679, 11857544). This variant is not present in population databases (gnomAD no frequency). For these reasons, this variant has been classified as Pathogenic. ClinVar contains an entry for this variant (Variation ID: 1683579). This variant has not been reported in the literature in individuals affected with LYST-related conditions.

Laboratorio de Genetica e Diagnostico Molecular, Hospital Israelita Albert Einstein
Classification: Likely pathogenic for Chédiak-Higashi syndrome. Last evaluated: 2022-01-28. Review status: criteria provided, single submitter. Criteria: ACMG Guidelines, 2015. Collection method: clinical testing. Allele origin: germline. Affected: yes.
Comment: ACMG classification criteria: PVS1 very strong, PM2 moderate

Literature cited by the submitters: PubMed 9215679 (cited by Labcorp Genetics (formerly Invitae), Labcorp); PubMed 11857544 (cited by Labcorp Genetics (formerly Invitae), Labcorp).